The following is an entry in ClinVar:

ClinVar aggregate classification (germline): Uncertain significance. Review status: criteria provided, multiple submitters, no conflicts (2 of 4 stars). 3 submissions from 3 submitters: Uncertain significance (3). Last evaluated 2021-10-06.

Conditions:
Cardiac arrhythmia. Also called: Arrhythmia; Cardiac rhythm disease. Identifiers: MedGen C0003811, MONDO:0007263, HP:0011675.
Long QT syndrome 2 (LQT2). Identifiers: Orphanet 101016, Orphanet 768, MedGen C3150943, MONDO:0013367, OMIM 613688.
Short QT syndrome type 1. Identifiers: Orphanet 51083, MedGen C1865020, MONDO:0012312, OMIM 609620.
Long QT syndrome (LQTS). Identifiers: MedGen C0023976, MeSH D008133, MONDO:0002442. Disease mechanism: loss of function. Inheritance: Various modes of inheritance.

Allele frequency attached by ClinVar (database versions not stated): TOPMed below 0.00001; gnomAD exomes 0.00001; ExAC 0.00003.

Submissions (3):

Fulgent Genetics
Classification: Uncertain significance for Short QT syndrome type 1; Long QT syndrome 2. Last evaluated: 2021-10-06. Review status: criteria provided, single submitter. Criteria: ACMG Guidelines, 2015. Collection method: clinical testing. Allele origin: unknown.

Labcorp Genetics (formerly Invitae), Labcorp
Classification: Uncertain significance for Long QT syndrome. Last evaluated: 2021-08-31. Review status: criteria provided, single submitter. Criteria: Invitae Variant Classification Sherloc (09022015). Collection method: clinical testing. Allele origin: germline.

Color Diagnostics, LLC DBA Color Health
Classification: Uncertain significance for Cardiac arrhythmia. Last evaluated: 2020-10-07. Review status: criteria provided, single submitter. Criteria: ACMG Guidelines, 2015. Collection method: clinical testing. Allele origin: germline.
Comment: This missense variant replaces arginine with cysteine at codon 541 of the KCNH2 protein. Computational prediction suggests that this variant may have deleterious impact on protein structure and function (internally defined REVEL score threshold >= 0.7, PMID: 27666373). To our knowledge, functional studies have not been reported for this variant. This variant has not been reported in individuals affected with cardiovascular disorders in the literature. This variant has been identified in 3/247972 chromosomes in the general population by the Genome Aggregation Database (gnomAD). The available evidence is insufficient to determine the role of this variant in disease conclusively. Therefore, this variant is classified as a Variant of Uncertain Significance.

NM_000238.4(KCNH2):c.1621C>T (p.Arg541Cys)

Gene: KCNH2 (potassium voltage-gated channel subfamily H member 2; minus strand). Cytogenetic location: 7q36.1.
Variant type: single nucleotide variant.
Coding change: c.1621C>T on transcript NM_000238.4 (MANE Select); coding-DNA position 1621, C replaced by T.
Protein change: p.Arg541Cys; replaces arginine 541 with cysteine.
Molecular consequence: missense variant.
Genome position (GRCh38, 1-based): chr7:150,951,772, G>A on the plus strand (C>T on the coding strand, the complement: KCNH2 is on the minus strand). VCF-style: chr7-150951772-G-A. GRCh37 (hg19) VCF-style: chr7-150648860-G-A.
Other names: c.1621C>T, p.Arg541Cys (NM_172056.3); c.601C>T, p.Arg201Cys (NM_172057.3, NM_001204798.2); c.1333C>T, p.Arg445Cys (NM_001406753.1, NM_001406756.1); c.1444C>T, p.Arg482Cys (NM_001406755.1); c.1321C>T, p.Arg441Cys (NM_001406757.1); short protein forms R541C, R201C, R441C, R482C, R445C.
Identifiers: ClinVar variation 937094 (VCV000937094.10), dbSNP rs764666519, ClinGen allele CA028981.